The following is an entry in ClinVar:

NM_002234.4(KCNA5):c.827G>A (p.Arg276Lys)

Gene: KCNA5 (potassium voltage-gated channel subfamily A member 5; plus strand). Cytogenetic location: 12p13.32.
Variant type: single nucleotide variant.
Coding change: c.827G>A on transcript NM_002234.4 (MANE Select); coding-DNA position 827, G replaced by A.
Protein change: p.Arg276Lys; replaces arginine 276 with lysine.
Molecular consequence: missense variant.
Genome position (GRCh38, 1-based): chr12:5,044,974, G>A. VCF-style: chr12-5044974-G-A. GRCh37 (hg19) VCF-style: chr12-5154140-G-A.
Other names: short protein forms R276K.
Identifiers: ClinVar variation 943244 (VCV000943244.12), dbSNP rs762170694, ClinGen allele CA6399723.

ClinVar aggregate classification (germline): Uncertain significance. Review status: criteria provided, multiple submitters, no conflicts (2 of 4 stars). 3 submissions from 3 submitters: Uncertain significance (3). Last evaluated 2025-10-15.

Conditions:
Atrial fibrillation, familial, 7 (ATFB7). Identifiers: MedGen C2677106, MONDO:0012828, OMIM 612240.
Inborn genetic diseases. Identifiers: MedGen C0950123, MeSH D030342.

Allele frequency attached by ClinVar (database versions not stated): ExAC 0.00001; gnomAD exomes 0.00002; gnomAD 0.00003 and 0.00004; TOPMed 0.00003.
gnomAD v4.1: 33 of 1,613,280 alleles (0.002%); highest among the groups gnomAD compares: African/African-American, 0.0053%; no homozygotes.

Submissions (3):

Labcorp Genetics (formerly Invitae), Labcorp
Classification: Uncertain significance for Atrial fibrillation, familial, 7. Last evaluated: 2025-10-15. Review status: criteria provided, single submitter. Criteria: Invitae Variant Classification Sherloc (09022015). Collection method: clinical testing. Allele origin: germline.
Comment: This sequence change replaces arginine, which is basic and polar, with lysine, which is basic and polar, at codon 276 of the KCNA5 protein (p.Arg276Lys). This variant is present in population databases (rs762170694, gnomAD 0.007%). This variant has not been reported in the literature in individuals affected with KCNA5-related conditions. ClinVar contains an entry for this variant (Variation ID: 943244). An algorithm developed to predict the effect of missense changes on protein structure and function outputs the following: PolyPhen-2: "Benign". The lysine amino acid residue is found in multiple mammalian species, which suggests that this missense change does not adversely affect protein function. In summary, the available evidence is currently insufficient to determine the role of this variant in disease. Therefore, it has been classified as a Variant of Uncertain Significance.

Ambry Genetics
Classification: Uncertain significance for Inborn genetic diseases. Last evaluated: 2025-03-18. Review status: criteria provided, single submitter. Criteria: Ambry Variant Classification Scheme 2023. Collection method: clinical testing. Allele origin: germline.

GeneDx
Classification: Uncertain significance. Last evaluated: 2022-03-24. Review status: criteria provided, single submitter. Criteria: GeneDx Variant Classification Process June 2021. Collection method: clinical testing. Allele origin: germline. Affected: yes.
Comment: Has not been previously published as pathogenic or benign to our knowledge; Not observed at significant frequency in large population cohorts (gnomAD); In silico analysis supports that this missense variant does not alter protein structure/function